The following is an entry in ClinVar:

ClinVar aggregate classification (germline): Uncertain significance. Review status: criteria provided, multiple submitters, no conflicts (2 of 4 stars). 2 submissions from 2 submitters: Uncertain significance (2). Last evaluated 2025-11-04.

Conditions:
Inborn genetic diseases. Identifiers: MedGen C0950123, MeSH D030342.

gnomAD v4.1: 1 of 1,612,684 alleles (0.000062%); no homozygotes.

Submissions (2):

Labcorp Genetics (formerly Invitae), Labcorp
Classification: Uncertain significance. Last evaluated: 2025-11-04. Review status: criteria provided, single submitter. Criteria: Invitae Variant Classification Sherloc (09022015). Collection method: clinical testing. Allele origin: germline.
Comment: This sequence change replaces tyrosine, which is neutral and polar, with histidine, which is basic and polar, at codon 619 of the KDM1A protein (p.Tyr619His). This variant is not present in population databases (gnomAD no frequency). This variant has not been reported in the literature in individuals affected with KDM1A-related conditions. ClinVar contains an entry for this variant (Variation ID: 4091055). Invitae Evidence Modeling of protein sequence and biophysical properties (such as structural, functional, and spatial information, amino acid conservation, physicochemical variation, residue mobility, and thermodynamic stability) indicates that this missense variant is not expected to disrupt KDM1A protein function with a negative predictive value of 80%. In summary, the available evidence is currently insufficient to determine the role of this variant in disease. Therefore, it has been classified as a Variant of Uncertain Significance.

Ambry Genetics
Classification: Uncertain significance for Inborn genetic diseases. Last evaluated: 2025-07-12. Review status: criteria provided, single submitter. Criteria: Ambry Variant Classification Scheme 2023. Collection method: clinical testing. Allele origin: germline.
Comment: The p.Y619H variant (also known as c.1855T>C), located in coding exon 16 of the KDM1A gene, results from a T to C substitution at nucleotide position 1855. The tyrosine at codon 619 is replaced by histidine, an amino acid with similar properties. This amino acid position is conserved. In addition, this alteration is predicted to be deleterious by in silico analysis. Based on the available evidence, the clinical significance of this variant remains unclear.

NM_001009999.3(KDM1A):c.1855T>C (p.Tyr619His)

Gene: KDM1A (lysine demethylase 1A; plus strand). Cytogenetic location: 1p36.12.
Variant type: single nucleotide variant.
Coding change: c.1855T>C on transcript NM_001009999.3 (MANE Select); coding-DNA position 1855, T replaced by C.
Protein change: p.Tyr619His; replaces tyrosine 619 with histidine.
Molecular consequence: missense variant.
Genome position (GRCh38, 1-based): chr1:23,077,348, T>C. VCF-style: chr1-23077348-T-C. GRCh37 (hg19) VCF-style: chr1-23403841-T-C.
Other names: c.1801T>C, p.Tyr601His (NM_001363654.2); c.1861T>C, p.Tyr621His (NM_001410762.1); c.1783T>C, p.Tyr595His (NM_001410763.1, NM_015013.4); short protein forms Y595H, Y601H, Y619H, Y621H.
Identifiers: ClinVar variation 4091055 (VCV004091055.2).